The following is an entry in ClinVar:

NM_153717.3(EVC):c.641dup (p.Tyr214Ter)

Gene: EVC (EvC ciliary complex subunit 1; plus strand). Cytogenetic location: 4p16.2.
Variant type: Duplication.
Coding change: c.641dup on transcript NM_153717.3 (MANE Select); coding-DNA position 641, one base duplicated (A; older notation c.641dupA).
Protein change: p.Tyr214Ter; replaces tyrosine 214 with a stop codon.
Molecular consequence: nonsense.
Genome position (GRCh38, 1-based): chr4:5,733,374, A duplicated. VCF-style (leftmost placement, unchanged base first): chr4-5733373-T-TA. GRCh37 (hg19) VCF-style: chr4-5735100-T-TA.
Other names: c.641dup, p.Tyr214Ter (NM_001306090.2, NM_001306092.2); short protein forms Y214*.
Identifiers: ClinVar variation 2954057 (VCV002954057.3), dbSNP rs2474716743, ClinGen allele CA2740091166.
Genomic context (GRCh38, chr4:5,733,373, plus strand): 5'-CCCTGAAAGTCTTTTCCGCTTCTCATTTTATTTTGCAGTGTAGACGTTGACCTGTGTATC[T>TA]ACAGCCTTCACTTAAAAGACCTGCTGCATTTGGACACGGCACTGAGGCAGGAAAAGCATA-3'

ClinVar aggregate classification (germline): Pathogenic (1 of 4 stars; one submission).

Conditions:
Ellis-van Creveld syndrome (EVC). Also called: EVC-Related Ellis-van Creveld Syndrome; EVC2-Related Ellis-van Creveld Syndrome; MESOECTODERMAL DYSPLASIA; Chondroectodermal dysplasia. Identifiers: Orphanet 289, MedGen C0013903, MONDO:0009162, OMIM 225500.
Curry-Hall syndrome (WAD). Also called: WEYERS ACRODENTAL DYSOSTOSIS. Identifiers: Orphanet 952, MedGen C0457013, MONDO:0008673, OMIM 193530.

Submission:

Labcorp Genetics (formerly Invitae), Labcorp
Classification: Pathogenic for Curry-Hall syndrome; Ellis-van Creveld syndrome. Last evaluated: 2023-11-20. Review status: criteria provided, single submitter. Criteria: Invitae Variant Classification Sherloc (09022015). Collection method: clinical testing. Allele origin: germline.
Comment: This sequence change creates a premature translational stop signal (p.Tyr214*) in the EVC gene. It is expected to result in an absent or disrupted protein product. Loss-of-function variants in EVC are known to be pathogenic (PMID: 23220543). This variant is not present in population databases (gnomAD no frequency). This variant has not been reported in the literature in individuals affected with EVC-related conditions. For these reasons, this variant has been classified as Pathogenic.

Literature cited by the submitters: PubMed 23220543.